The following is an entry in ClinVar:

NM_001148.6(ANK2):c.5141A>G (p.Gln1714Arg)

Gene: ANK2 (ankyrin 2; plus strand). Cytogenetic location: 4q26.
Variant type: single nucleotide variant.
Coding change: c.5141A>G on transcript NM_001148.6 (MANE Select); coding-DNA position 5141, A replaced by G.
Protein change: p.Gln1714Arg; replaces glutamine 1714 with arginine.
Molecular consequence: missense variant. On other transcripts: intron variant (68).
Genome position (GRCh38, 1-based): chr4:113,353,759, A>G. VCF-style: chr4-113353759-A-G. GRCh37 (hg19) VCF-style: chr4-114274915-A-G.
Other names: c.4907A>G, p.Gln1636Arg (NM_001386142.1); c.1541A>G, p.Gln514Arg (NM_001386166.1); c.5282A>G, p.Gln1761Arg (NM_001386174.1); c.5258A>G, p.Gln1753Arg (NM_001386175.1); c.4411+3510A>G (NM_001386186.2, NM_001386148.2); c.4213+3510A>G (NM_001354269.3); c.4291+3510A>G (NM_001386187.2); c.4252+3510A>G (NM_001386147.1); and 35 more; short protein forms Q1714R, Q1636R, Q1753R, Q1761R, Q514R.
Identifiers: ClinVar variation 939666 (VCV000939666.6), dbSNP rs1012849066, ClinGen allele CA103811960.

ClinVar aggregate classification (germline): Uncertain significance (1 of 4 stars; one submission).

Conditions:
Long QT syndrome (LQTS). Identifiers: MedGen C0023976, MeSH D008133, MONDO:0002442. Disease mechanism: loss of function. Inheritance: Various modes of inheritance.

Allele frequency attached by ClinVar (database versions not stated): gnomAD exomes below 0.00001; TOPMed below 0.00001; gnomAD 0.00001.
gnomAD v4.1: 4 of 1,613,754 alleles (0.00025%); highest among the groups gnomAD compares: Middle Eastern, 0.016%; no homozygotes.

Submission:

Labcorp Genetics (formerly Invitae), Labcorp
Classification: Uncertain significance for Long QT syndrome. Last evaluated: 2021-08-18. Review status: criteria provided, single submitter. Criteria: Invitae Variant Classification Sherloc (09022015). Collection method: clinical testing. Allele origin: germline.
Comment: This sequence change replaces glutamine with arginine at codon 1714 of the ANK2 protein (p.Gln1714Arg). The glutamine residue is weakly conserved and there is a small physicochemical difference between glutamine and arginine. This variant is not present in population databases (ExAC no frequency). This variant has not been reported in the literature in individuals affected with ANK2-related conditions. ClinVar contains an entry for this variant (Variation ID: 939666). Algorithms developed to predict the effect of missense changes on protein structure and function (SIFT, PolyPhen-2, Align-GVGD) all suggest that this variant is likely to be tolerated. In summary, the available evidence is currently insufficient to determine the role of this variant in disease. Therefore, it has been classified as a Variant of Uncertain Significance.